The following is an entry in ClinVar:

ClinVar aggregate classification (germline): Conflicting classifications of pathogenicity. Review status: criteria provided, conflicting classifications (1 of 4 stars). 7 submissions from 7 submitters: Uncertain significance (1); Benign (3); Likely benign (1). 2 of the submissions do not count toward it. Last evaluated 2026-02-01.

Conditions:
Finnish congenital nephrotic syndrome (NPHS1). Also called: NEPHROTIC SYNDROME, TYPE 1. Identifiers: Orphanet 839, MedGen C0403399, MONDO:0009732, OMIM 256300.

Allele frequency attached by ClinVar (database versions not stated): gnomAD 0.00023 and 0.00041; TOPMed 0.00067; ExAC 0.00143; 1000 Genomes Project 30x 0.00328; 1000 Genomes Project 0.00339.
gnomAD v4.1: 894 of 1,612,420 alleles (0.055%); highest among the groups gnomAD compares: East Asian, 1.8%; 9 homozygotes.

Submissions (7):

Labcorp Genetics (formerly Invitae), Labcorp
Classification: Benign. Last evaluated: 2026-02-01. Review status: criteria provided, single submitter. Criteria: Invitae Variant Classification Sherloc (09022015). Collection method: clinical testing. Allele origin: germline.

Mayo Clinic Laboratories, Mayo Clinic
Classification: Benign. Last evaluated: 2025-07-16. Review status: criteria provided, single submitter. Criteria: ACMG Guidelines, 2015. Collection method: clinical testing. Allele origin: germline. Observed: 1 variant allele.
Comment: BA1, BS2, BP4_moderate

Blueprint Genetics
Classification: Likely benign. Last evaluated: 2024-11-18. Review status: criteria provided, single submitter. Criteria: ACMG Guidelines, 2015. Collection method: clinical testing. Allele origin: germline.

Women's Health and Genetics/Laboratory Corporation of America, LabCorp
Classification: Benign. Last evaluated: 2022-06-14. Review status: criteria provided, single submitter. Criteria: LabCorp Variant Classification Summary - May 2015. Collection method: clinical testing. Allele origin: germline.
Comment: Variant summary: NPHS1 c.65C>T (p.Ala22Val) results in a non-conservative amino acid change in the encoded protein sequence. Three of five in-silico tools predict a benign effect of the variant on protein function. The variant allele was found at a frequency of 0.001 in 242312 control chromosomes (gnomAD), predominantly at a frequency of 0.013 within the East Asian subpopulation in the gnomAD database, including 1 homozygote. The observed variant frequency within East Asian control individuals in the gnomAD database is approximately 4 fold of the estimated maximal expected allele frequency for a pathogenic variant in NPHS1 causing Nephrotic Syndrome, Type 1 (0.0034), strongly suggesting that the variant is a benign polymorphism found primarily in populations of East Asian origin. Four ClinVar submitters have assessed the variant since 2014: one classified the variant as of uncertain significance, one as likely benign, and two as benign. Based on the evidence outlined above, the variant was classified as benign.

Soonchunhyang University Bucheon Hospital, Soonchunhyang University Medical Center
Classification: Uncertain significance for Finnish congenital nephrotic syndrome. Last evaluated: 2016-03-18. Review status: criteria provided, single submitter. Criteria: ACMG Guidelines, 2015. Collection method: reference population. Allele origin: germline. Observed: 5 variant alleles.

Natera, Inc.
Classification: Benign for Finnish congenital nephrotic syndrome. Last evaluated: 2020-09-16. Review status: no assertion criteria provided. Collection method: clinical testing. Allele origin: germline. Not counted in ClinVar's aggregate classification.

Counsyl
Classification: Likely benign for Finnish congenital nephrotic syndrome. Last evaluated: 2017-12-15. Review status: no assertion criteria provided. Collection method: clinical testing. Allele origin: unknown. Not counted in ClinVar's aggregate classification.

Literature cited by the submitters: PubMed 15338398 (cited by 3 submitters); PubMed 20981092 (cited by Mayo Clinic Laboratories, Mayo Clinic); PubMed 22995991 (cited by Mayo Clinic Laboratories, Mayo Clinic); PubMed 31180159 (cited by Mayo Clinic Laboratories, Mayo Clinic); PubMed 31216994 (cited by Mayo Clinic Laboratories, Mayo Clinic); PubMed 34426522 (cited by Mayo Clinic Laboratories, Mayo Clinic).

NM_004646.4(NPHS1):c.65C>T (p.Ala22Val)

Genes: KIRREL2 (kirre like nephrin family adhesion molecule 2; plus strand), NPHS1 (NPHS1 adhesion molecule, nephrin; minus strand). Cytogenetic location: 19q13.12.
Variant type: single nucleotide variant.
Coding change: c.65C>T on transcript NM_004646.4 (MANE Select); coding-DNA position 65, C replaced by T.
Protein change: p.Ala22Val; replaces alanine 22 with valine.
Molecular consequence: missense variant.
Genome position (GRCh38, 1-based): chr19:35,851,666, G>A on the plus strand (C>T on the coding strand, the complement: NPHS1 is on the minus strand). VCF-style: chr19-35851666-G-A. GRCh37 (hg19) VCF-style: chr19-36342568-G-A.
Other names: p.Ala22Val; short protein forms A22V.
Identifiers: ClinVar variation 225424 (VCV000225424.17), dbSNP rs116617171, ClinGen allele CA9390924.
Genomic context (GRCh38, chr19:35,851,666, plus strand): 5'-GTCAGGTTTTCAGGCAGGGCCCAGAAGCCCCGGGGAACGGAGGCAGGAATCGCCAACTGC[G>A]CCAGGCCTGAGGACACAGCGCGGTGCAAGGAAAGGGCAGAGGGTTTGTCTAGGGAAGGTA-3'
Protein context (NP_004637.1, residues 12-32): LLLGLLTEGL[Ala22Val]QLAIPASVPR